The following is an entry in ClinVar:

ClinVar aggregate classification (germline): Uncertain significance (1 of 4 stars; one submission).

Submission:

GeneDx
Classification: Uncertain significance. Last evaluated: 2026-04-11. Review status: criteria provided, single submitter. Criteria: GeneDx Variant Classification Process June 2021. Collection method: clinical testing. Allele origin: germline.
Comment: Not observed at significant frequency in large population cohorts (gnomAD); In silico analysis suggests that this missense variant does not alter protein structure/function; Has not been previously published as pathogenic or benign to our knowledge

NM_001378454.1(ALMS1):c.11311A>G (p.Arg3771Gly)

Gene: ALMS1 (ALMS1 centrosome and basal body associated protein; plus strand). Cytogenetic location: 2p13.1.
Variant type: single nucleotide variant.
Coding change: c.11311A>G on transcript NM_001378454.1 (MANE Select); coding-DNA position 11311, A replaced by G.
Protein change: p.Arg3771Gly; replaces arginine 3771 with glycine.
Molecular consequence: missense variant.
Genome position (GRCh38, 1-based): chr2:73,573,188, A>G. VCF-style: chr2-73573188-A-G. GRCh37 (hg19) VCF-style: chr2-73800315-A-G.
Other names: c.11314A>G, p.Arg3772Gly (NM_015120.4); short protein forms R3771G, R3772G.
Identifiers: ClinVar variation 5018420 (VCV005018420.1).